The following is an entry in ClinVar:

NM_020203.6(MEPE):c.986C>T (p.Ala329Val)

Genes: MEPE (matrix extracellular phosphoglycoprotein; plus strand), MEPE-AS1 (MEPE and IBSP antisense RNA 1; minus strand). Cytogenetic location: 4q22.1.
Variant type: single nucleotide variant.
Coding change: c.986C>T on transcript NM_020203.6 (MANE Select); coding-DNA position 986, C replaced by T.
Protein change: p.Ala329Val; replaces alanine 329 with valine.
Molecular consequence: missense variant.
Genome position (GRCh38, 1-based): chr4:87,845,854, C>T. VCF-style: chr4-87845854-C-T. GRCh37 (hg19) VCF-style: chr4-88767006-C-T.
Other names: c.986C>T, p.Ala329Val (NM_001184694.3); c.647C>T, p.Ala216Val (NM_001184695.4, NM_001184696.2, NM_001184697.2); c.1079C>T, p.Ala360Val (NM_001291183.2); short protein forms A216V, A360V, A329V.
Identifiers: ClinVar variation 4986544 (VCV004986544.1).

ClinVar aggregate classification (germline): Likely benign (1 of 4 stars; one submission).

Conditions:
MEPE-related disorder. Also called: MEPE-related condition.

gnomAD v4.1: 549 of 1,614,024 alleles (0.034%); highest among the groups gnomAD compares: African/African-American, 0.67%; 2 homozygotes.

Submission:

PreventionGenetics, part of Exact Sciences
Classification: Likely benign for MEPE-related condition. Last evaluated: 2025-04-22. Review status: criteria provided, single submitter. Criteria: ACMG Guidelines, 2015. Collection method: clinical testing. Allele origin: germline.
Comment: This variant is classified as likely benign based on ACMG/AMP sequence variant interpretation guidelines (Richards et al. 2015 PMID: 25741868, with internal and published modifications).